The following is an entry in ClinVar:

NM_006306.4(SMC1A):c.269A>T (p.Glu90Val)

Gene: SMC1A (structural maintenance of chromosomes 1A; minus strand). Cytogenetic location: Xp11.22.
Variant type: single nucleotide variant.
Coding change: c.269A>T on transcript NM_006306.4 (MANE Select); coding-DNA position 269, A replaced by T.
Protein change: p.Glu90Val; replaces glutamic acid 90 with valine.
Molecular consequence: missense variant.
Genome position (GRCh38, 1-based): chrX:53,415,010, T>A on the plus strand (A>T on the coding strand, the complement: SMC1A is on the minus strand). VCF-style: chrX-53415010-T-A. GRCh37 (hg19) VCF-style: chrX-53441959-T-A.
Other names: c.203A>T, p.Glu68Val (NM_001281463.1); short protein forms E68V, E90V.
Identifiers: ClinVar variation 4882412 (VCV004882412.2).

ClinVar aggregate classification (germline): Uncertain significance (1 of 4 stars; one submission).

gnomAD v4.1: 1 of 1,211,346 alleles (0.000083%); highest among the groups gnomAD compares: Admixed American, 0.0022%; no homozygotes.

Submission:

Dasa
Classification: Uncertain significance. Last evaluated: 2026-02-03. Review status: criteria provided, single submitter. Criteria: DASA Assertion Criteria. Collection method: clinical testing. Allele origin: germline.
Comment: NM_006306.4(SMC1A):c.269A>T (p.Glu90Val) is a missense variant that results in the substitution of glutamic acid with valine. This variant is rare in population databases. The currently available literature and clinical evidence are not sufficient to establish a definitive association between this variant and the reported condition. Therefore, this variant is classified as a variant of uncertain significance.